The following is an entry in ClinVar:

NM_000093.5(COL5A1):c.1936-15C>G

Gene: COL5A1 (collagen type V alpha 1 chain; plus strand). Cytogenetic location: 9q34.3.
Variant type: single nucleotide variant.
Coding change: c.1936-15C>G on transcript NM_000093.5 (MANE Select); 15 bases into the intron before coding-DNA position 1936, C replaced by G.
Molecular consequence: intron variant.
Genome position (GRCh38, 1-based): chr9:134,761,910, C>G. VCF-style: chr9-134761910-C-G. GRCh37 (hg19) VCF-style: chr9-137653756-C-G.
Other names: c.1936-15C>G (NM_001278074.1).
Identifiers: ClinVar variation 511032 (VCV000511032.6), dbSNP rs755787951, ClinGen allele CA201093714.

ClinVar aggregate classification (germline): Likely benign. Review status: criteria provided, multiple submitters, no conflicts (2 of 4 stars). 2 submissions from 2 submitters: Likely benign (2). Last evaluated 2025-11-22.

Conditions:
Ehlers-Danlos syndrome, classic type, 1 (EDSCL1). Also called: EHLERS-DANLOS SYNDROME, GRAVIS TYPE; EHLERS-DANLOS SYNDROME, SEVERE CLASSIC TYPE; EDS I; Ehlers-Danlos Syndrome, Classic Type, COL5A1-Related; Ehlers-Danlos syndrome, type 1. Identifiers: MedGen C0268335, MONDO:0019567, OMIM 130000.

Allele frequency attached by ClinVar (database versions not stated): TOPMed 0.00001; gnomAD 0.00001.
gnomAD v4.1: 22 of 1,612,952 alleles (0.0014%); highest among the groups gnomAD compares: Non-Finnish European, 0.0018%; no homozygotes.

Submissions (2):

Labcorp Genetics (formerly Invitae), Labcorp
Classification: Likely benign for Ehlers-Danlos syndrome, classic type, 1. Last evaluated: 2025-11-22. Review status: criteria provided, single submitter. Criteria: Invitae Variant Classification Sherloc (09022015). Collection method: clinical testing. Allele origin: germline.

GeneDx
Classification: Likely benign. Last evaluated: 2017-07-24. Review status: criteria provided, single submitter. Criteria: GeneDx Variant Classification (06012015). Collection method: clinical testing. Allele origin: germline. Affected: yes.
Comment: This variant is considered likely benign or benign based on one or more of the following criteria: it is a conservative change, it occurs at a poorly conserved position in the protein, it is predicted to be benign by multiple in silico algorithms, and/or has population frequency not consistent with disease.